The following is an entry in ClinVar:

ClinVar aggregate classification (germline): Likely pathogenic (1 of 4 stars; one submission).

Conditions:
Epidermodysplasia verruciformis, susceptibility to, 2. Also called: Epidermodysplasia verruciformis 2. Identifiers: MedGen C4722258, MONDO:0032614, OMIM 618231.

Submission:

Juno Genomics, Hangzhou Juno Genomics, Inc
Classification: Likely pathogenic for Epidermodysplasia verruciformis, susceptibility to, 2. Review status: criteria provided, single submitter. Criteria: ACMG Guidelines, 2015. Collection method: clinical testing. Allele origin: germline.
Comment: Null variant in a gene where loss of function (LOF) is a known mechanism of disease.;Absent from controls (or at extremely low frequency if recessive) in Genome Aggregation Database.

NM_152468.5(TMC8):c.1389G>A (p.Trp463Ter)

Gene: TMC8 (transmembrane channel like 8; plus strand). Cytogenetic location: 17q25.3.
Variant type: single nucleotide variant.
Coding change: c.1389G>A on transcript NM_152468.5 (MANE Select); coding-DNA position 1389, G replaced by A.
Protein change: p.Trp463Ter; replaces tryptophan 463 with a stop codon.
Molecular consequence: nonsense.
Genome position (GRCh38, 1-based): chr17:78,138,044, G>A. VCF-style: chr17-78138044-G-A. GRCh37 (hg19) VCF-style: chr17-76134125-G-A.
Other names: short protein forms W463*.
Identifiers: ClinVar variation 5005831 (VCV005005831.2).
Genomic context (GRCh38, chr17:78,138,044, plus strand): 5'-TGGACCCTCCCATCCCTGCAGGCTGCTGGTGGACCGGTTCTCAGGCCGGTTCTGGGCCTG[G>A]CTGGAACGGGAGGAGTTCCTGGTCCCCAAGAATGTGCTGGACATCGTGGCGGGGCAGACG-3'